The following is an entry in ClinVar:

NM_033409.4(SLC52A3):c.1301C>T (p.Ala434Val)

Gene: SLC52A3 (solute carrier family 52 member 3; minus strand). Cytogenetic location: 20p13.
Variant type: single nucleotide variant.
Coding change: c.1301C>T on transcript NM_033409.4 (MANE Select); coding-DNA position 1301, C replaced by T.
Protein change: p.Ala434Val; replaces alanine 434 with valine.
Molecular consequence: missense variant.
Genome position (GRCh38, 1-based): chr20:761,135, G>A on the plus strand (C>T on the coding strand, the complement: SLC52A3 is on the minus strand). VCF-style: chr20-761135-G-A. GRCh37 (hg19) VCF-style: chr20-741779-G-A.
Other names: c.1301C>T, p.Ala434Val (NM_001370085.1, NM_001370086.1); short protein forms A434V.
Identifiers: ClinVar variation 1059950 (VCV001059950.8), dbSNP rs752924421, ClinGen allele CA9724523.

ClinVar aggregate classification (germline): Uncertain significance. Review status: criteria provided, multiple submitters, no conflicts (2 of 4 stars). 2 submissions from 2 submitters: Uncertain significance (2). Last evaluated 2024-02-24.

Conditions:
Brown-Vialetto-van Laere syndrome 1. Also called: BROWN-VIALETTO-VAN LAERE SYNDROME 1, MILD; BULBAR PALSY, PROGRESSIVE, WITH SENSORINEURAL DEAFNESS; PONTOBULBAR PALSY WITH DEAFNESS. Identifiers: Orphanet 572550, Orphanet 97229, MedGen C0796274, MONDO:0024537, OMIM 211530.

Allele frequency attached by ClinVar (database versions not stated): gnomAD exomes 0.00008; TOPMed 0.00003; ExAC 0.00020.
gnomAD v4.1: 22 of 1,592,978 alleles (0.0014%); highest among the groups gnomAD compares: Admixed American, 0.026%; no homozygotes.

Submissions (2):

Labcorp Genetics (formerly Invitae), Labcorp
Classification: Uncertain significance for Brown-Vialetto-van Laere syndrome 1. Last evaluated: 2024-02-24. Review status: criteria provided, single submitter. Criteria: Invitae Variant Classification Sherloc (09022015). Collection method: clinical testing. Allele origin: germline.
Comment: This sequence change replaces alanine, which is neutral and non-polar, with valine, which is neutral and non-polar, at codon 434 of the SLC52A3 protein (p.Ala434Val). This variant is present in population databases (rs752924421, gnomAD 0.04%). This variant has not been reported in the literature in individuals affected with SLC52A3-related conditions. ClinVar contains an entry for this variant (Variation ID: 1059950). Advanced modeling of protein sequence and biophysical properties (such as structural, functional, and spatial information, amino acid conservation, physicochemical variation, residue mobility, and thermodynamic stability) performed at Invitae indicates that this missense variant is not expected to disrupt SLC52A3 protein function with a negative predictive value of 80%. In summary, the available evidence is currently insufficient to determine the role of this variant in disease. Therefore, it has been classified as a Variant of Uncertain Significance.

Blueprint Genetics
Classification: Uncertain significance. Last evaluated: 2020-09-25. Review status: criteria provided, single submitter. Criteria: ACMG Guidelines, 2015. Collection method: clinical testing. Allele origin: germline.